The following is an entry in ClinVar:

ClinVar aggregate classification (germline): Uncertain significance. Review status: criteria provided, multiple submitters, no conflicts (2 of 4 stars). 2 submissions from 2 submitters: Uncertain significance (2). Last evaluated 2024-12-28.

Conditions:
Fanconi anemia (FA). Also called: Fanconi's anemia. Identifiers: Orphanet 84, MedGen C0015625, MeSH D005199, MONDO:0019391.

Allele frequency attached by ClinVar (database versions not stated): gnomAD exomes below 0.00001 and 0.00001.
gnomAD v4.1: 3 of 1,613,362 alleles (0.00019%); highest among the groups gnomAD compares: Admixed American, 0.0033%; no homozygotes.

Submissions (2):

Quest Diagnostics Nichols Institute San Juan Capistrano
Classification: Uncertain significance. Last evaluated: 2024-12-28. Review status: criteria provided, single submitter. Criteria: Quest Diagnostics criteria. Collection method: clinical testing. Allele origin: unknown.
Comment: The FANCM c.645A>T (p.Glu215Asp) variant has been reported in the published literature in a family affected with breast/ovarian cancer (PMID: 30306255 (2018)). The frequency of this variant in the general population (Genome Aggregation Database) is uninformative in the assessment of its pathogenicity. Analysis of this variant using bioinformatics tools for the prediction of the effect of amino acid changes on protein structure and function yielded conflicting predictions that this variant is benign or damaging. Based on the available information, we are unable to determine the clinical significance of this variant.

Labcorp Genetics (formerly Invitae), Labcorp
Classification: Uncertain significance for Fanconi anemia. Last evaluated: 2021-01-07. Review status: criteria provided, single submitter. Criteria: Invitae Variant Classification Sherloc (09022015). Collection method: clinical testing. Allele origin: germline.
Comment: This sequence change replaces glutamic acid with aspartic acid at codon 215 of the FANCM protein (p.Glu215Asp). The glutamic acid residue is highly conserved and there is a small physicochemical difference between glutamic acid and aspartic acid. In summary, the available evidence is currently insufficient to determine the role of this variant in disease. Therefore, it has been classified as a Variant of Uncertain Significance. Algorithms developed to predict the effect of missense changes on protein structure and function are either unavailable or do not agree on the potential impact of this missense change (SIFT: "Deleterious"; PolyPhen-2: "Probably Damaging"; Align-GVGD: "Class C0"). This variant has not been reported in the literature in individuals with FANCM-related conditions. This variant is not present in population databases (ExAC no frequency).

Literature cited by the submitters: PubMed 30306255 (cited by Quest Diagnostics Nichols Institute San Juan Capistrano).

NM_020937.4(FANCM):c.645A>T (p.Glu215Asp)

Gene: FANCM (FA complementation group M; plus strand). Cytogenetic location: 14q21.2.
Variant type: single nucleotide variant.
Coding change: c.645A>T on transcript NM_020937.4 (MANE Select); coding-DNA position 645, A replaced by T.
Protein change: p.Glu215Asp; replaces glutamic acid 215 with aspartic acid.
Molecular consequence: missense variant.
Genome position (GRCh38, 1-based): chr14:45,137,205, A>T. VCF-style: chr14-45137205-A-T. GRCh37 (hg19) VCF-style: chr14-45606408-A-T.
Other names: c.645A>T, p.Glu215Asp (NM_001308133.2, NM_001308134.2); c.645A>T (NM_020937.3); short protein forms E215D.
Identifiers: ClinVar variation 1445956 (VCV001445956.9), dbSNP rs1215370736, ClinGen allele CA389588902.